The following is an entry in ClinVar:

NM_001291303.3(FAT4):c.3614A>T (p.Asp1205Val)

Gene: FAT4 (FAT atypical cadherin 4; plus strand). Cytogenetic location: 4q28.1.
Variant type: single nucleotide variant.
Coding change: c.3614A>T on transcript NM_001291303.3 (MANE Select); coding-DNA position 3614, A replaced by T.
Protein change: p.Asp1205Val; replaces aspartic acid 1205 with valine.
Molecular consequence: missense variant.
Genome position (GRCh38, 1-based): chr4:125,320,025, A>T. VCF-style: chr4-125320025-A-T. GRCh37 (hg19) VCF-style: chr4-126241180-A-T.
Other names: c.3614A>T, p.Asp1205Val (NM_001291285.3, NM_024582.6); short protein forms D1205V.
Identifiers: ClinVar variation 1473985 (VCV001473985.8), dbSNP rs2125943625, ClinGen allele CA358124371.
Genomic context (GRCh38, chr4:125,320,025, plus strand): 5'-GGATCCCTCAGCCTCTCAAGGATCAGGCCACTGTACATGTTTACATGAAGGATATAAATG[A>T]TAATGCTCCCAAATTTTTAAAAGACTTTTACCAAGCTACAATATCAGAATCAGCAGCCAA-3'
Protein context (NP_001278232.1, residues 1195-1215): TVHVYMKDIN[Asp1205Val]NAPKFLKDFY

ClinVar aggregate classification (germline): Uncertain significance (1 of 4 stars; one submission).

gnomAD v4.1: 1 of 1,613,354 alleles (0.000062%); highest among the groups gnomAD compares: Non-Finnish European, 0.000085%; no homozygotes.

Submission:

Labcorp Genetics (formerly Invitae), Labcorp
Classification: Uncertain significance. Last evaluated: 2020-11-17. Review status: criteria provided, single submitter. Criteria: Invitae Variant Classification Sherloc (09022015). Collection method: clinical testing. Allele origin: germline.
Comment: In summary, the available evidence is currently insufficient to determine the role of this variant in disease. Therefore, it has been classified as a Variant of Uncertain Significance. Algorithms developed to predict the effect of missense changes on protein structure and function (SIFT, PolyPhen-2, Align-GVGD) all suggest that this variant is likely to be disruptive, but these predictions have not been confirmed by published functional studies and their clinical significance is uncertain. This variant has not been reported in the literature in individuals with FAT4-related conditions. This variant is not present in population databases (ExAC no frequency). This sequence change replaces aspartic acid with valine at codon 1205 of the FAT4 protein (p.Asp1205Val). The aspartic acid residue is highly conserved and there is a large physicochemical difference between aspartic acid and valine.